The following is an entry in ClinVar:

ClinVar aggregate classification (germline): Uncertain significance. Review status: reviewed by expert panel (3 of 4 stars). 2 submissions from 2 submitters: Uncertain significance (1). 1 of the submissions does not count toward it. Last evaluated 2024-10-29.

Conditions:
Hereditary thrombocytopenia and hematologic cancer predisposition syndrome. Identifiers: Orphanet 71290, MedGen CN281654, MONDO:0011071.
Hereditary thrombocytopenia and hematological cancer predisposition syndrome associated with RUNX1. Also called: PLATELET DISORDER, ASPIRIN-LIKE; RUNX1 Familial Platelet Disorder with Associated Myeloid Malignancies; Familial Platelet Disorder with Propensity to Acute Myelogenous Leukemia; Familial thrombocytopenia with propensity to acute myelogenous leukemia. Identifiers: Orphanet 71290, MedGen C1832388, MeSH C563324, MONDO:0100083, OMIM 601399.

Allele frequency attached by ClinVar (database versions not stated): TOPMed below 0.00001; gnomAD 0.00001.
gnomAD v4.1: 1 of 233,140 alleles (0.00043%); highest among the groups gnomAD compares: Non-Finnish European, 0.00085%; no homozygotes.

Submissions (2):

ClinGen Myeloid Malignancy Variant Curation Expert Panel
Classification: Uncertain significance for Hereditary thrombocytopenia and hematologic cancer predisposition syndrome. Last evaluated: 2024-10-29. Review status: reviewed by expert panel. Criteria: ClinGen MyeloMalig ACMG Specifications v2. Collection method: curation. Allele origin: germline. Inheritance: Autosomal dominant inheritance.
Comment: NM_001754.5(RUNX1):c.*2780A>G is a UTR variant which is completely absent from all population databases with at least 20x coverage for RUNX1 (PM2_supporting). In summary, the clinical significance of this variant is uncertain. ACMG/AMP criteria applied, as specified by the Myeloid Malignancy Variant Curation Expert Panel for RUNX1: PM2_supporting.

Illumina Laboratory Services, Illumina
Classification: Uncertain significance for Hereditary thrombocytopenia and hematological cancer predisposition syndrome associated with RUNX1. Last evaluated: 2018-01-13. Review status: criteria provided, single submitter. Criteria: ICSL Variant Classification Criteria 13 December 2019. Collection method: clinical testing. Allele origin: germline. Not counted in ClinVar's aggregate classification.

NM_001754.5(RUNX1):c.*2780A>G

Gene: RUNX1 (RUNX family transcription factor 1; minus strand). Cytogenetic location: 21q22.12.
Variant type: single nucleotide variant.
Coding change: c.*2780A>G on transcript NM_001754.5 (MANE Select); 2780 bases downstream of the stop codon, A replaced by G.
Molecular consequence: 3 prime UTR variant.
Genome position (GRCh38, 1-based): chr21:34,789,355, T>C on the plus strand (A>G on the coding strand, the complement: RUNX1 is on the minus strand). VCF-style: chr21-34789355-T-C. GRCh37 (hg19) VCF-style: chr21-36161652-T-C.
Other names: c.*2780A>G (NM_001001890.3).
Identifiers: ClinVar variation 339820 (VCV000339820.6), dbSNP rs886057034, ClinGen allele CA10652912.